The following is an entry in ClinVar:

ClinVar aggregate classification (germline): Uncertain significance (1 of 4 stars; one submission).

gnomAD v4.1: 9 of 1,613,964 alleles (0.00056%); highest among the groups gnomAD compares: Admixed American, 0.005%; no homozygotes.

Submission:

GeneDx
Classification: Uncertain significance. Last evaluated: 2023-03-30. Review status: criteria provided, single submitter. Criteria: GeneDx Variant Classification Process June 2021. Collection method: clinical testing. Allele origin: germline. Affected: yes.
Comment: Has not been previously published as pathogenic or benign to our knowledge; In silico analysis supports that this missense variant has a deleterious effect on protein structure/function; Observed in large population cohorts (gnomAD; internal data)

NM_182961.4(SYNE1):c.21464G>C (p.Arg7155Pro)

Gene: SYNE1 (spectrin repeat containing nuclear envelope protein 1; minus strand). Cytogenetic location: 6q25.2.
Variant type: single nucleotide variant.
Coding change: c.21464G>C on transcript NM_182961.4 (MANE Select); coding-DNA position 21464, G replaced by C.
Protein change: p.Arg7155Pro; replaces arginine 7155 with proline.
Molecular consequence: missense variant.
Genome position (GRCh38, 1-based): chr6:152,224,552, C>G on the plus strand (G>C on the coding strand, the complement: SYNE1 is on the minus strand). VCF-style: chr6-152224552-C-G. GRCh37 (hg19) VCF-style: chr6-152545687-C-G.
Other names: c.21251G>C, p.Arg7084Pro (NM_033071.5); short protein forms R7084P, R7155P.
Identifiers: ClinVar variation 2582178 (VCV002582178.1), dbSNP rs746326110, ClinGen allele CA4054155.